The following is an entry in ClinVar:

NM_033026.6(PCLO):c.7172G>A (p.Arg2391His)

Gene: PCLO (piccolo presynaptic cytomatrix protein; minus strand). Cytogenetic location: 7q21.11.
Variant type: single nucleotide variant.
Coding change: c.7172G>A on transcript NM_033026.6 (MANE Select); coding-DNA position 7172, G replaced by A.
Protein change: p.Arg2391His; replaces arginine 2391 with histidine.
Molecular consequence: missense variant.
Genome position (GRCh38, 1-based): chr7:82,953,781, C>T on the plus strand (G>A on the coding strand, the complement: PCLO is on the minus strand). VCF-style: chr7-82953781-C-T. GRCh37 (hg19) VCF-style: chr7-82583097-C-T.
Other names: c.7172G>A, p.Arg2391His (NM_014510.3); short protein forms R2391H.
Identifiers: ClinVar variation 1373169 (VCV001373169.3), dbSNP rs749073112, ClinGen allele CA4320347.

ClinVar aggregate classification (germline): Uncertain significance (1 of 4 stars; one submission).

gnomAD v4.1: 40 of 1,580,178 alleles (0.0025%); highest among the groups gnomAD compares: African/African-American, 0.0041%; no homozygotes.

Submission:

Labcorp Genetics (formerly Invitae), Labcorp
Classification: Uncertain significance. Last evaluated: 2022-07-26. Review status: criteria provided, single submitter. Criteria: Invitae Variant Classification Sherloc (09022015). Collection method: clinical testing. Allele origin: germline.
Comment: This sequence change replaces arginine, which is basic and polar, with histidine, which is basic and polar, at codon 2391 of the PCLO protein (p.Arg2391His). The frequency data for this variant in the population databases is considered unreliable, as metrics indicate poor data quality at this position in the gnomAD database. This variant has not been reported in the literature in individuals affected with PCLO-related conditions. ClinVar contains an entry for this variant (Variation ID: 1373169). Algorithms developed to predict the effect of missense changes on protein structure and function output the following: SIFT: "Tolerated"; PolyPhen-2: "Not Available"; Align-GVGD: "Class C0". The histidine amino acid residue is found in multiple mammalian species, which suggests that this missense change does not adversely affect protein function. In summary, the available evidence is currently insufficient to determine the role of this variant in disease. Therefore, it has been classified as a Variant of Uncertain Significance.